The following is an entry in ClinVar:

ClinVar aggregate classification (germline): Uncertain significance (1 of 4 stars; one submission).

Submission:

GeneDx
Classification: Uncertain significance. Last evaluated: 2024-09-01. Review status: criteria provided, single submitter. Criteria: GeneDx Variant Classification Process June 2021. Collection method: clinical testing. Allele origin: germline. Affected: yes.
Comment: Has not been previously published as pathogenic or benign to our knowledge; Not observed at significant frequency in large population cohorts (gnomAD); In silico analysis indicates that this missense variant does not alter protein structure/function

NM_004387.4(NKX2-5):c.250T>A (p.Ser84Thr)

Gene: NKX2-5 (NK2 homeobox 5; minus strand). Cytogenetic location: 5q35.1.
Variant type: single nucleotide variant.
Coding change: c.250T>A on transcript NM_004387.4 (MANE Select); coding-DNA position 250, T replaced by A.
Protein change: p.Ser84Thr; replaces serine 84 with threonine.
Molecular consequence: missense variant.
Genome position (GRCh38, 1-based): chr5:173,234,834, A>T on the plus strand (T>A on the coding strand, the complement: NKX2-5 is on the minus strand). VCF-style: chr5-173234834-A-T. GRCh37 (hg19) VCF-style: chr5-172661837-A-T.
Other names: c.250T>A, p.Ser84Thr (NM_001166175.2, NM_001166176.2); short protein forms S84T.
Identifiers: ClinVar variation 3765973 (VCV003765973.1).